The following is an entry in ClinVar:

NM_001042492.3(NF1):c.701T>G (p.Leu234Arg)

Gene: NF1 (neurofibromin 1; plus strand). Cytogenetic location: 17q11.2.
Variant type: single nucleotide variant.
Coding change: c.701T>G on transcript NM_001042492.3 (MANE Select); coding-DNA position 701, T replaced by G.
Protein change: p.Leu234Arg; replaces leucine 234 with arginine.
Molecular consequence: missense variant.
Genome position (GRCh38, 1-based): chr17:31,181,756, T>G. VCF-style: chr17-31181756-T-G. GRCh37 (hg19) VCF-style: chr17-29508774-T-G.
Other names: c.701T>G, p.Leu234Arg (NM_000267.4, NM_001128147.3); short protein forms L234R.
Identifiers: ClinVar variation 4879490 (VCV004879490.1).

ClinVar aggregate classification (germline): Uncertain significance (1 of 4 stars; one submission).

Conditions:
Neurofibromatosis, type 1 (NF1). Also called: NEUROFIBROMATOSIS, TYPE I, SOMATIC; Peripheral type neurofibromatosis; Neurofibromatosis, type I; VON RECKLINGHAUSEN DISEASE. Identifiers: Orphanet 636, MedGen C0027831, MONDO:0018975, OMIM 162200. Disease mechanism: loss of function.

Submission:

Clinical Genomics Laboratory, Washington University in St. Louis
Classification: Uncertain significance for Neurofibromatosis, type 1. Last evaluated: 2026-02-02. Review status: criteria provided, single submitter. Criteria: ACMG Guidelines, 2015. Collection method: clinical testing. Allele origin: germline.
Comment: The NF1 c.701T>G (p.Leu234Arg) variant, to our knowledge, has not been reported in the medical literature. This variant is absent from the general population (gnomAD v4.1.0), indicating it is not a common variant. Computational predictors indicate that the variant is damaging, evidence that correlates with impact to NF1 function. Due to limited information, and based on ACMG/AMP guidelines for variant interpretation (Richards S et al., PMID: 25741868), the clinical significance of this variant is uncertain at this time.